The following is an entry in ClinVar:

NM_000427.3(LORICRIN):c.927G>A (p.Trp309Ter)

Gene: LORICRIN (loricrin cornified envelope precursor protein; plus strand). Cytogenetic location: 1q21.3.
Variant type: single nucleotide variant.
Coding change: c.927G>A on transcript NM_000427.3 (MANE Select); coding-DNA position 927, G replaced by A.
Protein change: p.Trp309Ter; replaces tryptophan 309 with a stop codon.
Molecular consequence: nonsense.
Genome position (GRCh38, 1-based): chr1:153,261,876, G>A. VCF-style: chr1-153261876-G-A. GRCh37 (hg19) VCF-style: chr1-153234352-G-A.
Other names: short protein forms W309*.
Identifiers: ClinVar variation 4536640 (VCV004536640.1).
Genomic context (GRCh38, chr1:153,261,876, plus strand): 5'-CGGGAGTGGCAAGGGCGTCCCGATCTGCCACCAGACCCAGCAGAAGCAGGCGCCTACCTG[G>A]CCGTCCAAATAGATCCCCCAGGGTACCACGGAGGCGAAGGAGTTGGAGGTGTTTTCCAGG-3'

ClinVar aggregate classification (germline): Uncertain significance (1 of 4 stars; one submission).

Submission:

Women's Health and Genetics/Laboratory Corporation of America, LabCorp
Classification: Uncertain significance. Last evaluated: 2025-11-17. Review status: criteria provided, single submitter. Criteria: LabCorp Variant Classification Summary - May 2015. Collection method: clinical testing. Allele origin: germline.
Comment: Variant summary: LORICRIN c.927G>A (p.Trp309X) results in a premature termination codon, predicted to cause a truncation of the encoded protein, however current evidence is not sufficient to establish loss of function as a mechanism for disease. The variant was absent in 238076 control chromosomes. The available data on variant occurrences in the general population are insufficient to allow any conclusion about variant significance. To our knowledge, no occurrence of c.927G>A in individuals affected with LORICRIN-related conditions and no experimental evidence demonstrating its impact on protein function have been reported. No submitters have cited clinical-significance assessments for this variant to ClinVar. Based on the evidence outlined above, the variant was classified as uncertain significance.